The following is an entry in ClinVar:

ClinVar aggregate classification (germline): Uncertain significance. Review status: criteria provided, multiple submitters, no conflicts (2 of 4 stars). 2 submissions from 2 submitters: Uncertain significance (2). Last evaluated 2025-12-31.

Conditions:
Axenfeld-Rieger syndrome type 3 (RIEG3). Also called: AXENFELD-RIEGER ANOMALY WITH CARDIAC DEFECTS AND/OR SENSORINEURAL HEARING LOSS. Identifiers: Orphanet 782, MedGen C2678503, MONDO:0011233, OMIM 602482.
Anterior segment dysgenesis 3 (ASGD3). Also called: Glaucoma iridogoniodysplasia, familial; IRIDOGONIODYSGENESIS ANOMALY, AUTOSOMAL DOMINANT. Identifiers: Orphanet 91483, MedGen C5975707, MONDO:0024456, OMIM 601631.

Allele frequency attached by ClinVar (database versions not stated): gnomAD 0.00001; TOPMed 0.00006.
gnomAD v4.1: 4 of 1,368,116 alleles (0.00029%); highest among the groups gnomAD compares: East Asian, 0.0068%; no homozygotes.

Submissions (2):

Labcorp Genetics (formerly Invitae), Labcorp
Classification: Uncertain significance for Axenfeld-Rieger syndrome type 3. Last evaluated: 2025-12-31. Review status: criteria provided, single submitter. Criteria: Invitae Variant Classification Sherloc (09022015). Collection method: clinical testing. Allele origin: germline.
Comment: This sequence change replaces proline, which is neutral and non-polar, with serine, which is neutral and polar, at codon 355 of the FOXC1 protein (p.Pro355Ser). The frequency data for this variant in the population databases is considered unreliable, as metrics indicate poor data quality at this position in the gnomAD database. This missense change has been observed in individual(s) with Axenfeld-Rieger syndrome (PMID: 32295643). ClinVar contains an entry for this variant (Variation ID: 2063670). An algorithm developed to predict the effect of missense changes on protein structure and function (PolyPhen-2) suggests that this variant is likely to be disruptive. In summary, the available evidence is currently insufficient to determine the role of this variant in disease. Therefore, it has been classified as a Variant of Uncertain Significance.

Fulgent Genetics
Classification: Uncertain significance for Anterior segment dysgenesis 3; Axenfeld-Rieger syndrome type 3. Last evaluated: 2024-02-14. Review status: criteria provided, single submitter. Criteria: ACMG Guidelines, 2015. Collection method: clinical testing. Allele origin: germline.

Literature cited by the submitters: PubMed 32295643 (cited by Labcorp Genetics (formerly Invitae), Labcorp).

NM_001453.3(FOXC1):c.1063C>T (p.Pro355Ser)

Gene: FOXC1 (forkhead box C1; plus strand). Cytogenetic location: 6p25.3.
Variant type: single nucleotide variant.
Coding change: c.1063C>T on transcript NM_001453.3 (MANE Select); coding-DNA position 1063, C replaced by T.
Protein change: p.Pro355Ser; replaces proline 355 with serine.
Molecular consequence: missense variant.
Genome position (GRCh38, 1-based): chr6:1,611,508, C>T. VCF-style: chr6-1611508-C-T. GRCh37 (hg19) VCF-style: chr6-1611743-C-T.
Other names: short protein forms P355S.
Identifiers: ClinVar variation 2063670 (VCV002063670.5), dbSNP rs763692952, ClinGen allele CA3614860.